The following is an entry in ClinVar:

NM_006766.5(KAT6A):c.3032A>C (p.Lys1011Thr)

Gene: KAT6A (lysine acetyltransferase 6A; minus strand). Cytogenetic location: 8p11.21.
Variant type: single nucleotide variant.
Coding change: c.3032A>C on transcript NM_006766.5 (MANE Select); coding-DNA position 3032, A replaced by C.
Protein change: p.Lys1011Thr; replaces lysine 1011 with threonine.
Molecular consequence: missense variant.
Genome position (GRCh38, 1-based): chr8:41,940,849, T>G on the plus strand (A>C on the coding strand, the complement: KAT6A is on the minus strand). VCF-style: chr8-41940849-T-G. GRCh37 (hg19) VCF-style: chr8-41798367-T-G.
Other names: short protein forms K1011T.
Identifiers: ClinVar variation 1310343 (VCV001310343.4), dbSNP rs1822080060, ClinGen allele CA371071145.

ClinVar aggregate classification (germline): Uncertain significance. Review status: criteria provided, multiple submitters, no conflicts (2 of 4 stars). 2 submissions from 2 submitters: Uncertain significance (2). Last evaluated 2024-10-26.

gnomAD v4.1: 3 of 1,608,066 alleles (0.00019%); highest among the groups gnomAD compares: Non-Finnish European, 0.00025%; no homozygotes.

Submissions (2):

Labcorp Genetics (formerly Invitae), Labcorp
Classification: Uncertain significance. Last evaluated: 2024-10-26. Review status: criteria provided, single submitter. Criteria: Invitae Variant Classification Sherloc (09022015). Collection method: clinical testing. Allele origin: germline.
Comment: This sequence change replaces lysine, which is basic and polar, with threonine, which is neutral and polar, at codon 1011 of the KAT6A protein (p.Lys1011Thr). This variant is not present in population databases (gnomAD no frequency). This variant has not been reported in the literature in individuals affected with KAT6A-related conditions. ClinVar contains an entry for this variant (Variation ID: 1310343). Invitae Evidence Modeling of protein sequence and biophysical properties (such as structural, functional, and spatial information, amino acid conservation, physicochemical variation, residue mobility, and thermodynamic stability) indicates that this missense variant is not expected to disrupt KAT6A protein function with a negative predictive value of 95%. In summary, the available evidence is currently insufficient to determine the role of this variant in disease. Therefore, it has been classified as a Variant of Uncertain Significance.

GeneDx
Classification: Uncertain significance. Last evaluated: 2019-11-26. Review status: criteria provided, single submitter. Criteria: GeneDx Variant Classification Process June 2021. Collection method: clinical testing. Allele origin: germline. Affected: yes.
Comment: Not observed in large population cohorts (Lek et al., 2016); In silico analysis, which includes protein predictors and evolutionary conservation, supports a deleterious effect; Has not been previously published as pathogenic or benign to our knowledge